The following is an entry in ClinVar:

ClinVar aggregate classification (germline): Uncertain significance (1 of 4 stars; one submission).

Submission:

CeGaT Center for Human Genetics Tuebingen
Classification: Uncertain significance. Last evaluated: 2026-06-01. Review status: criteria provided, single submitter. Criteria: CeGaT Center For Human Genetics Tuebingen Variant Classification Criteria Version 2. Collection method: clinical testing. Allele origin: germline. Affected: yes. Observed: 1 variant allele.
Comment: TSPOAP1: PM2

NM_004758.4(TSPOAP1):c.1264C>T (p.Arg422Cys)

Gene: TSPOAP1 (TSPO associated protein 1; minus strand). Cytogenetic location: 17q22.
Variant type: single nucleotide variant.
Coding change: c.1264C>T on transcript NM_004758.4 (MANE Select); coding-DNA position 1264, C replaced by T.
Protein change: p.Arg422Cys; replaces arginine 422 with cysteine.
Molecular consequence: missense variant.
Genome position (GRCh38, 1-based): chr17:58,322,707, G>A on the plus strand (C>T on the coding strand, the complement: TSPOAP1 is on the minus strand). VCF-style: chr17-58322707-G-A. GRCh37 (hg19) VCF-style: chr17-56400068-G-A.
Other names: c.1264C>T, p.Arg422Cys (NM_001261835.2); c.1084C>T, p.Arg362Cys (NM_024418.3); short protein forms R362C, R422C.
Identifiers: ClinVar variation 4872992 (VCV004872992.2).
Genomic context (GRCh38, chr17:58,322,707, plus strand): 5'-TCCTCACCTTCAGCACTTGCTCCAGGCTCTCCAGCTTGCTCTGCAGGCCCTGGCTCTTGC[G>A]AAGGGCTGAGTCCCTCTCCTGTGTCACCCCCAGGAGCTGGCCCCTCAGCTCCGCATTCTC-3'
Protein context (NP_004749.2, residues 412-432): GVTQERDSAL[Arg422Cys]KSQGLQSKLE